The following is an entry in ClinVar:

NM_016203.4(PRKAG2):c.454C>T (p.Arg152Cys)

Gene: PRKAG2 (protein kinase AMP-activated non-catalytic subunit gamma 2; minus strand). Cytogenetic location: 7q36.1.
Variant type: single nucleotide variant.
Coding change: c.454C>T on transcript NM_016203.4 (MANE Select); coding-DNA position 454, C replaced by T.
Protein change: p.Arg152Cys; replaces arginine 152 with cysteine.
Molecular consequence: missense variant.
Genome position (GRCh38, 1-based): chr7:151,781,164, G>A on the plus strand (C>T on the coding strand, the complement: PRKAG2 is on the minus strand). VCF-style: chr7-151781164-G-A. GRCh37 (hg19) VCF-style: chr7-151478250-G-A.
Other names: c.322C>T, p.Arg108Cys (NM_001040633.2); short protein forms R152C, R108C.
Identifiers: ClinVar variation 635231 (VCV000635231.24), dbSNP rs752783859, ClinGen allele CA057107.

ClinVar aggregate classification (germline): Conflicting classifications of pathogenicity. Review status: criteria provided, conflicting classifications (1 of 4 stars). 7 submissions from 7 submitters: Uncertain significance (6); Likely benign (1). Last evaluated 2026-02-17.

Conditions:
Lethal congenital glycogen storage disease of heart. Also called: PHOSPHORYLASE KINASE DEFICIENCY OF HEART; GLYCOGEN STORAGE DISEASE OF HEART. Identifiers: Orphanet 439854, MedGen C1849813, MONDO:0009867, OMIM 261740.
Cardiovascular phenotype. Identifiers: MedGen CN230736.
Cardiomyopathy (CMYO). Also called: Cardiomyopathies. Identifiers: Orphanet 167848, MedGen C0878544, MONDO:0004994, HP:0001638. Inheritance: Various modes of inheritance.
Hypertrophic cardiomyopathy. Also called: HYPERTROPHIC MYOCARDIOPATHY. Identifiers: Orphanet 217569, MedGen C0007194, MeSH D002312, MONDO:0005045, HP:0001639.

Allele frequency attached by ClinVar (database versions not stated): gnomAD exomes 0.00001 and 0.00003; TOPMed 0.00001; ExAC 0.00002; gnomAD 0.00002.
gnomAD v4.1: 21 of 1,613,776 alleles (0.0013%); highest among the groups gnomAD compares: Admixed American, 0.0067%; no homozygotes.

Submissions (7):

Ambry Genetics
Classification: Uncertain significance for Cardiovascular phenotype. Last evaluated: 2026-02-17. Review status: criteria provided, single submitter. Criteria: Ambry Variant Classification Scheme 2023. Collection method: clinical testing. Allele origin: germline.
Comment: The c.454C>T (p.R152C) alteration is located in exon 3 (coding exon 3) of the PRKAG2 gene. This alteration results from a C to T substitution at nucleotide position 454, causing the arginine (R) at amino acid position 152 to be replaced by a cysteine (C). Based on data from gnomAD, the T allele has an overall frequency of 0.003% (7/251168) total alleles studied. The highest observed frequency was 0.009% (3/34578) of Latino alleles. Based on insufficient or conflicting evidence, the clinical significance of this alteration remains unclear.

Labcorp Genetics (formerly Invitae), Labcorp
Classification: Likely benign for Lethal congenital glycogen storage disease of heart. Last evaluated: 2025-12-07. Review status: criteria provided, single submitter. Criteria: Invitae Variant Classification Sherloc (09022015). Collection method: clinical testing. Allele origin: germline.

All of Us Research Program, National Institutes of Health
Classification: Uncertain significance for Hypertrophic cardiomyopathy. Last evaluated: 2024-07-29. Review status: criteria provided, single submitter. Criteria: ACMG Guidelines, 2015. Collection method: clinical testing. Allele origin: germline. Inheritance: Autosomal dominant inheritance. Observed: 5 variant alleles, 5 heterozygotes.
Comment: This missense variant replaces arginine with cysteine at codon 152 of the PRKAG2 protein. Computational prediction tool is inconclusive regarding the impact of this variant on protein structure and function (internally defined REVEL score threshold 0.5 < inconclusive < 0.7, PMID: 27666373). Splice site prediction tools suggest that this variant may not impact RNA splicing. To our knowledge, functional studies have not been performed for this variant. This variant has not been reported in individuals affected with cardiovascular disorders in the literature. This variant has been identified in 7/251168 chromosomes in the general population by the Genome Aggregation Database (gnomAD). The available evidence is insufficient to determine the role of this variant in disease conclusively. Therefore, this variant is classified as a Variant of Uncertain Significance.

This study involves interpretation of variants in research participants for the purpose of population health screening. Participant phenotype was not available at the time of variant classification. Additional details can be found in publication PMID: 35346344, PMCID: PMC8962531

Color Diagnostics, LLC DBA Color Health
Classification: Uncertain significance for Cardiomyopathy. Last evaluated: 2024-06-26. Review status: criteria provided, single submitter. Criteria: ACMG Guidelines, 2015. Collection method: clinical testing. Allele origin: germline.
Comment: This missense variant replaces arginine with cysteine at codon 152 of the PRKAG2 protein. Computational prediction tools indicate that this variant's impact on protein structure and function is inconclusive. To our knowledge, functional studies have not been reported for this variant. This variant has been reported in an individual affected with an unknown arrhythmia (PMID: 30847666). This variant has been identified in 7/251168 chromosomes in the general population by the Genome Aggregation Database (gnomAD). The available evidence is insufficient to determine the role of this variant in disease conclusively. Therefore, this variant is classified as a Variant of Uncertain Significance.

Blueprint Genetics
Classification: Uncertain significance. Last evaluated: 2023-07-11. Review status: criteria provided, single submitter. Criteria: ACMG Guidelines, 2015. Collection method: clinical testing. Allele origin: germline.

CHEO Genetics Diagnostic Laboratory, Children's Hospital of Eastern Ontario
Classification: Uncertain significance for Cardiomyopathy. Last evaluated: 2021-06-04. Review status: criteria provided, single submitter. Criteria: ACMG Guidelines, 2015. Collection method: clinical testing. Allele origin: germline.

Stanford Center for Inherited Cardiovascular Disease, Stanford University
Classification: Uncertain significance. Last evaluated: 2017-03-20. Review status: criteria provided, single submitter. Criteria: ACMG Guidelines, 2015. Collection method: provider interpretation. Allele origin: germline.

Literature cited by the submitters: PubMed 30847666 (cited by Color Diagnostics, LLC DBA Color Health).